The following is an entry in ClinVar:

NM_001009944.3(PKD1):c.7882G>A (p.Val2628Met)

Gene: PKD1 (polycystin 1, transient receptor potential channel interacting; minus strand). Cytogenetic location: 16p13.3.
Variant type: single nucleotide variant.
Coding change: c.7882G>A on transcript NM_001009944.3 (MANE Select); coding-DNA position 7882, G replaced by A.
Protein change: p.Val2628Met; replaces valine 2628 with methionine.
Molecular consequence: missense variant.
Genome position (GRCh38, 1-based): chr16:2,105,456, C>T on the plus strand (G>A on the coding strand, the complement: PKD1 is on the minus strand). VCF-style: chr16-2105456-C-T. GRCh37 (hg19) VCF-style: chr16-2155457-C-T.
Other names: c.7882G>A, p.Val2628Met (NM_000296.4); short protein forms V2628M.
Identifiers: ClinVar variation 4532445 (VCV004532445.1).

ClinVar aggregate classification (germline): Uncertain significance (1 of 4 stars; one submission).

gnomAD v4.1: 30 of 1,594,464 alleles (0.0019%); highest among the groups gnomAD compares: South Asian, 0.0033%; no homozygotes.

Submission:

GeneDx
Classification: Uncertain significance. Last evaluated: 2025-05-28. Review status: criteria provided, single submitter. Criteria: GeneDx Variant Classification Process June 2021. Collection method: clinical testing. Allele origin: germline. Affected: yes.
Comment: In silico analysis suggests that this missense variant does not alter protein structure/function; This variant is associated with the following publications: (PMID: 17582161)